The following is an entry in ClinVar:

ClinVar aggregate classification (germline): Conflicting classifications of pathogenicity. Review status: criteria provided, conflicting classifications (1 of 4 stars). 2 submissions from 2 submitters: Uncertain significance (1); Likely benign (1). Last evaluated 2026-01-14.

Conditions:
Hereditary cancer-predisposing syndrome. Also called: Neoplastic Syndromes, Hereditary; Tumor predisposition; Hereditary neoplastic syndrome; Hereditary Cancer Syndrome. Identifiers: Orphanet 140162, MedGen C0027672, MeSH D009386, MONDO:0015356.
Cardiovascular phenotype. Identifiers: MedGen CN230736.

Allele frequency attached by ClinVar (database versions not stated): ESP Exome Variant Server 0.00008.
gnomAD v4.1: 3 of 1,607,426 alleles (0.00019%); highest among the groups gnomAD compares: African/African-American, 0.0027%; no homozygotes.

Submissions (2):

Labcorp Genetics (formerly Invitae), Labcorp
Classification: Likely benign. Last evaluated: 2026-01-14. Review status: criteria provided, single submitter. Criteria: Invitae Variant Classification Sherloc (09022015). Collection method: clinical testing. Allele origin: germline.

Ambry Genetics
Classification: Uncertain significance for Cardiovascular phenotype; Hereditary cancer-predisposing syndrome. Last evaluated: 2025-01-27. Review status: criteria provided, single submitter. Criteria: Ambry Variant Classification Scheme 2023. Collection method: clinical testing. Allele origin: germline.
Comment: The c.1616-4G>C intronic variant results from a G to C substitution 4 nucleotides upstream from coding exon 15 in the LZTR1 gene. This nucleotide position is not well conserved in available vertebrate species. In silico splice site analysis for this alteration is inconclusive. Based on the available evidence, the clinical significance of this variant remains unclear.

NM_006767.4(LZTR1):c.1616-4G>C

Gene: LZTR1 (leucine zipper like post translational regulator 1; plus strand). Cytogenetic location: 22q11.21.
Variant type: single nucleotide variant.
Coding change: c.1616-4G>C on transcript NM_006767.4 (MANE Select); 4 bases into the intron before coding-DNA position 1616, G replaced by C.
Molecular consequence: intron variant.
Genome position (GRCh38, 1-based): chr22:20,994,554, G>C. VCF-style: chr22-20994554-G-C. GRCh37 (hg19) VCF-style: chr22-21348843-G-C.
Identifiers: ClinVar variation 1373565 (VCV001373565.11), dbSNP rs368206951, ClinGen allele CA10119004.
Genomic context (GRCh38, chr22:20,994,554, plus strand): 5'-CCTGCGCCCTGTGCCCTGCCCTCCCCTCTCCGGCTCCCTGAGATTCGGGGGCTCTGGGGC[G>C]CAGGCCATGTGGAGGATGTGCTGCTCATCATGGATGTGTACAAACTGGCACTGAGCTTCC-3'